The following is an entry in ClinVar:

NM_007294.4(BRCA1):c.1001C>G (p.Pro334Arg)

Gene: BRCA1 (BRCA1 DNA repair associated; minus strand). Cytogenetic location: 17q21.31.
Variant type: single nucleotide variant.
Coding change: c.1001C>G on transcript NM_007294.4 (MANE Select); coding-DNA position 1001, C replaced by G.
Protein change: p.Pro334Arg; replaces proline 334 with arginine.
Molecular consequence: missense variant. On other transcripts: intron variant (137).
Genome position (GRCh38, 1-based): chr17:43,094,530, G>C on the plus strand (C>G on the coding strand, the complement: BRCA1 is on the minus strand). VCF-style: chr17-43094530-G-C. GRCh37 (hg19) VCF-style: chr17-41246547-G-C.
Other names: c.668C>G, p.Pro223Arg (NM_001407947.1, NM_001407948.1, NM_001407949.1 and 6 more transcripts); c.665C>G, p.Pro222Arg (NM_001407954.1, NM_001407955.1, NM_001407956.1 and 1 more transcripts); c.878C>G, p.Pro293Arg (NM_001407664.1, NM_001407665.1, NM_001407666.1 and 19 more transcripts); c.875C>G, p.Pro292Arg (NM_001407670.1, NM_001407671.1, NM_001407672.1 and 11 more transcripts); c.1001C>G, p.Pro334Arg (NM_001407684.1, NM_001407854.1, NM_001407858.1 and 30 more transcripts); c.860C>G, p.Pro287Arg (NM_001407692.1, NM_001407694.1, NM_001407695.1 and 29 more transcripts); c.857C>G, p.Pro286Arg (NM_001407740.1, NM_001407741.1, NM_001407742.1 and 20 more transcripts); c.788C>G, p.Pro263Arg (NM_001407853.1, NM_001407894.1, NM_001407895.1 and 9 more transcripts); and 40 more; short protein forms P166R, P206R, P222R, P223R, P333R, P334R, P246R, P263R.
Identifiers: ClinVar variation 2825184 (VCV002825184.4), dbSNP rs41286290, ClinGen allele CA10600059.
Genomic context (GRCh38, chr17:43,094,530, plus strand): 5'-TTCCATTCTTTTCTCTCACACAGGGGATCAGCATTCAGATCTACCTTTTTTTCTGTGCTG[G>C]GAGTCCGCCTATCATTACATGTTTCCTTACTTCCAGCCCATCTGTTATGTTGGCTCCTTG-3'
Protein context (NP_009225.1, residues 324-344): SKETCNDRRT[Pro334Arg]STEKKVDLNA

ClinVar aggregate classification (germline): Uncertain significance. Review status: criteria provided, multiple submitters, no conflicts (2 of 4 stars). 2 submissions from 2 submitters: Uncertain significance (2). Last evaluated 2024-06-04.

Conditions:
Hereditary breast ovarian cancer syndrome. Also called: Hereditary breast and/or ovarian cancer syndrome; Hereditary breast and ovarian cancer; Hereditary breast and ovarian cancer syndrome; Breast and ovarian cancer; Hereditary breast and ovarian cancer syndrome (HBOC); BRCA1- and BRCA2-Associated Hereditary Breast and Ovarian Cancer. Identifiers: Orphanet 145, MedGen C0677776, MeSH D061325, MONDO:0003582. Disease mechanism: loss of function.
Hereditary cancer-predisposing syndrome. Also called: Neoplastic Syndromes, Hereditary; Hereditary neoplastic syndrome; Tumor predisposition; Hereditary Cancer Syndrome. Identifiers: Orphanet 140162, MedGen C0027672, MeSH D009386, MONDO:0015356.

Submissions (2):

Ambry Genetics
Classification: Uncertain significance for Hereditary cancer-predisposing syndrome. Last evaluated: 2024-06-04. Review status: criteria provided, single submitter. Criteria: Ambry Variant Classification Scheme 2023. Collection method: clinical testing. Allele origin: germline.
Comment: The p.P334R variant (also known as c.1001C>G), located in coding exon 9 of the BRCA1 gene, results from a C to G substitution at nucleotide position 1001. The proline at codon 334 is replaced by arginine, an amino acid with dissimilar properties. This amino acid position is not well conserved in available vertebrate species. In addition, the in silico prediction for this alteration is inconclusive. Based on the available evidence, the clinical significance of this variant remains unclear.

Labcorp Genetics (formerly Invitae), Labcorp
Classification: Uncertain significance for Hereditary breast ovarian cancer syndrome. Last evaluated: 2022-12-31. Review status: criteria provided, single submitter. Criteria: Invitae Variant Classification Sherloc (09022015). Collection method: clinical testing. Allele origin: germline.
Comment: Advanced modeling of protein sequence and biophysical properties (such as structural, functional, and spatial information, amino acid conservation, physicochemical variation, residue mobility, and thermodynamic stability) performed at Invitae indicates that this missense variant is not expected to disrupt BRCA1 protein function. This variant has not been reported in the literature in individuals affected with BRCA1-related conditions. This variant is not present in population databases (gnomAD no frequency). This sequence change replaces proline, which is neutral and non-polar, with arginine, which is basic and polar, at codon 334 of the BRCA1 protein (p.Pro334Arg). In summary, the available evidence is currently insufficient to determine the role of this variant in disease. Therefore, it has been classified as a Variant of Uncertain Significance.